The following is an entry in ClinVar:

NM_002528.7(NTHL1):c.398A>C (p.Gln133Pro)

Gene: NTHL1 (nth like DNA glycosylase 1; minus strand). Cytogenetic location: 16p13.3.
Variant type: single nucleotide variant.
Coding change: c.398A>C on transcript NM_002528.7 (MANE Select); coding-DNA position 398, A replaced by C.
Protein change: p.Gln133Pro; replaces glutamine 133 with proline.
Molecular consequence: missense variant. On other transcripts: intron variant (1).
Genome position (GRCh38, 1-based): chr16:2,044,757, T>G on the plus strand (A>C on the coding strand, the complement: NTHL1 is on the minus strand). VCF-style: chr16-2044757-T-G. GRCh37 (hg19) VCF-style: chr16-2094758-T-G.
Other names: c.68A>C, p.Gln23Pro (NM_001318194.2); c.355-1031A>C (NM_001318193.2); short protein forms Q133P, Q23P.
Identifiers: ClinVar variation 1718418 (VCV001718418.5), dbSNP rs2548316380, ClinGen allele CA394294569.
Genomic context (GRCh38, chr16:2,044,757, plus strand): 5'-ACCGTCAGGCCCCGCGCCCGCAGTCGCTGCATGGCGCCCGCCGTCACCTGGTCTTTGGTT[T>G]GGCTGGAGAGCATCAGTGACAGCAGCACCTGGTACCTGCGTACCTGCTTGTGCAGTGACA-3'
Protein context (NP_002519.2, residues 123-143): QVLLSLMLSS[Gln133Pro]TKDQVTAGAM

ClinVar aggregate classification (germline): Uncertain significance (1 of 4 stars; one submission).

Submission:

Labcorp Genetics (formerly Invitae), Labcorp
Classification: Uncertain significance. Last evaluated: 2022-08-31. Review status: criteria provided, single submitter. Criteria: Invitae Variant Classification Sherloc (09022015). Collection method: clinical testing. Allele origin: germline.
Comment: In summary, the available evidence is currently insufficient to determine the role of this variant in disease. Therefore, it has been classified as a Variant of Uncertain Significance. This sequence change replaces glutamine, which is neutral and polar, with proline, which is neutral and non-polar, at codon 141 of the NTHL1 protein (p.Gln141Pro). This variant is not present in population databases (gnomAD no frequency). This variant has not been reported in the literature in individuals affected with NTHL1-related conditions. Algorithms developed to predict the effect of missense changes on protein structure and function are either unavailable or do not agree on the potential impact of this missense change (SIFT: "Not Available"; PolyPhen-2: "Probably Damaging"; Align-GVGD: "Not Available").